The following is an entry in ClinVar:

ClinVar aggregate classification (germline): Uncertain significance. Review status: criteria provided, multiple submitters, no conflicts (2 of 4 stars). 2 submissions from 2 submitters: Uncertain significance (2). Last evaluated 2024-02-28.

Conditions:
Inborn genetic diseases. Identifiers: MedGen C0950123, MeSH D030342.
Hyperekplexia 3 (HKPX3). Also called: HYPEREKPLEXIA 3, AUTOSOMAL RECESSIVE; HYPEREKPLEXIA 3, AUTOSOMAL DOMINANT. Identifiers: Orphanet 3197, MedGen C3553288, MONDO:0013827, OMIM 614618.

Allele frequency attached by ClinVar (database versions not stated): gnomAD exomes 0.00001; ExAC 0.00002; gnomAD 0.00003 and 0.00004; TOPMed 0.00003.
gnomAD v4.1: 13 of 1,611,902 alleles (0.00081%); highest among the groups gnomAD compares: African/African-American, 0.008%; no homozygotes.

Submissions (2):

Ambry Genetics
Classification: Uncertain significance for Inborn genetic diseases. Last evaluated: 2024-02-28. Review status: criteria provided, single submitter. Criteria: Ambry Variant Classification Scheme 2023. Collection method: clinical testing. Allele origin: germline.

Labcorp Genetics (formerly Invitae), Labcorp
Classification: Uncertain significance for Hyperekplexia 3. Last evaluated: 2022-08-09. Review status: criteria provided, single submitter. Criteria: Invitae Variant Classification Sherloc (09022015). Collection method: clinical testing. Allele origin: germline.
Comment: In summary, the available evidence is currently insufficient to determine the role of this variant in disease. Therefore, it has been classified as a Variant of Uncertain Significance. Advanced modeling of protein sequence and biophysical properties (such as structural, functional, and spatial information, amino acid conservation, physicochemical variation, residue mobility, and thermodynamic stability) performed at Invitae indicates that this missense variant is not expected to disrupt SLC6A5 protein function. ClinVar contains an entry for this variant (Variation ID: 1354676). This variant has not been reported in the literature in individuals affected with SLC6A5-related conditions. This variant is present in population databases (rs760528634, gnomAD 0.01%). This sequence change replaces isoleucine, which is neutral and non-polar, with threonine, which is neutral and polar, at codon 646 of the SLC6A5 protein (p.Ile646Thr).

NM_004211.5(SLC6A5):c.1937T>C (p.Ile646Thr)

Gene: SLC6A5 (solute carrier family 6 member 5; plus strand). Cytogenetic location: 11p15.1.
Variant type: single nucleotide variant.
Coding change: c.1937T>C on transcript NM_004211.5 (MANE Select); coding-DNA position 1937, T replaced by C.
Protein change: p.Ile646Thr; replaces isoleucine 646 with threonine.
Molecular consequence: missense variant.
Genome position (GRCh38, 1-based): chr11:20,638,526, T>C. VCF-style: chr11-20638526-T-C. GRCh37 (hg19) VCF-style: chr11-20660072-T-C.
Other names: c.1235T>C, p.Ile412Thr (NM_001318369.2); c.1937T>C (NM_004211.3); short protein forms I412T, I646T.
Identifiers: ClinVar variation 1354676 (VCV001354676.7), dbSNP rs760528634, ClinGen allele CA5921626.